The following is an entry in ClinVar:

ClinVar aggregate classification (germline): Conflicting classifications of pathogenicity. Review status: criteria provided, conflicting classifications (1 of 4 stars). 12 submissions from 12 submitters: Pathogenic (3); Likely pathogenic (3); Uncertain significance (5). 1 of the submissions does not count toward it. Last evaluated 2026-03-13.

Conditions:
Medium-chain acyl-coenzyme A dehydrogenase deficiency (ACADMD). Also called: Medium chain acyl-CoA dehydrogenase deficiency; MCADD; ACADM DEFICIENCY; CARNITINE DEFICIENCY SECONDARY TO MEDIUM-CHAIN ACYL-CoA DEHYDROGENASE DEFICIENCY; MCADH DEFICIENCY; MCAD Deficiency. Identifiers: Orphanet 42, MedGen C0220710, MONDO:0008721, OMIM 201450.

Allele frequency attached by ClinVar (database versions not stated): gnomAD exomes 0.00001; gnomAD 0.00003; TOPMed 0.00003.

Submissions (12):

Myriad Genetics, Inc.
Classification: Uncertain significance for Medium-chain acyl-coenzyme A dehydrogenase deficiency. Last evaluated: 2026-03-13. Review status: criteria provided, single submitter. Criteria: Myriad Autosomal Dominant, Autosomal Recessive and X-Linked Classification Criteria (2023). Collection method: clinical testing. Allele origin: unknown.
Comment: NM_000016.4(ACADM):c.558T>A(N186K) is a missense variant classified as a variant of uncertain significance in the context of medium-chain acyl-CoA dehydrogenase deficiency. N186K has been observed in cases with relevant disease (PMID: 22542437, 20434380, Iverson_2020_(Thesis)). Relevant functional assessments of this variant are not available in the literature. N186K has been observed in referenced population frequency databases. In summary, there is insufficient evidence to classify NM_000016.4(ACADM):c.558T>A(N186K) as pathogenic or benign. Please note: this variant was assessed in the context of healthy population screening.

CeGaT Center for Human Genetics Tuebingen
Classification: Likely pathogenic. Last evaluated: 2025-09-01. Review status: criteria provided, single submitter. Criteria: CeGaT Center For Human Genetics Tuebingen Variant Classification Criteria Version 2. Collection method: clinical testing. Allele origin: germline. Affected: yes. Observed: 1 variant allele.
Comment: ACADM: PM2, PM3, PP4:Moderate

Victorian Clinical Genetics Services, Murdoch Childrens Research Institute
Classification: Likely pathogenic for Medium-chain acyl-coenzyme A dehydrogenase deficiency. Last evaluated: 2025-03-25. Review status: criteria provided, single submitter. Criteria: ACMG Guidelines, 2015. Collection method: clinical testing. Allele origin: germline.
Comment: This variant is classified as Likely pathogenic. Evidence in support of pathogenic classification: Variant is present in gnomAD <0.01 for a recessive condition (v4: 63 heterozygote(s), 0 homozygote(s)); This variant has strong previous evidence of pathogenicity in unrelated individuals. This variant has been reported compound heterozygous with a well reported pathogenic variant and was identified in three unrelated individual without allelic information; all with MCAD deficiency (PMID: 20434380, 27477829, 22542437). Additionally this variant is classified as pathogenic, likely pathogenic, and VUS by clinical laboratories (ClinVar); Missense variant predicted to be damaging by in silico tool(s) or highly conserved with a major amino acid change. Additional information: Variant is predicted to result in a missense amino acid change from asparagine to lysine; This variant is heterozygous; This gene is associated with autosomal recessive disease; No published segregation evidence has been identified for this variant; No published functional evidence has been identified for this variant; No comparable missense variants have previous evidence for pathogenicity; Variant is located in the annotated acyl-CoA dehydrogenase, middle domain (DECIPHER); Loss of function is a known mechanism of disease in this gene and is associated with deficiency of medium chain acyl-CoA dehydrogenase (MCAD) (MIM#201450); Variants in this gene are known to have variable expressivity. Clinical presentation varies from asymptomatic to fulminant course (OMIM).

Labcorp Genetics (formerly Invitae), Labcorp
Classification: Pathogenic for Medium-chain acyl-coenzyme A dehydrogenase deficiency. Last evaluated: 2025-02-25. Review status: criteria provided, single submitter. Criteria: Invitae Variant Classification Sherloc (09022015). Collection method: clinical testing. Allele origin: germline.
Comment: This sequence change replaces asparagine, which is neutral and polar, with lysine, which is basic and polar, at codon 186 of the ACADM protein (p.Asn186Lys). This variant is present in population databases (rs754359356, gnomAD 0.002%). This missense change has been observed in individual(s) with Medium-chain acyl-coenzyme A dehydrogenase deficiency (PMID: 20434380, 22542437). In at least one individual the data is consistent with being in trans (on the opposite chromosome) from a pathogenic variant. ClinVar contains an entry for this variant (Variation ID: 198379). Invitae Evidence Modeling of protein sequence and biophysical properties (such as structural, functional, and spatial information, amino acid conservation, physicochemical variation, residue mobility, and thermodynamic stability) indicates that this missense variant is expected to disrupt ACADM protein function with a positive predictive value of 80%. Experimental studies are conflicting or provide insufficient evidence to determine the effect of this variant on ACADM function (PMID: 22542437). For these reasons, this variant has been classified as Pathogenic.

GeneDx
Classification: Uncertain significance. Last evaluated: 2025-02-20. Review status: criteria provided, single submitter. Criteria: GeneDx Variant Classification Process June 2021. Collection method: clinical testing. Allele origin: germline. Affected: yes.
Comment: In silico analysis supports that this missense variant has a deleterious effect on protein structure/function; Not observed at significant frequency in large population cohorts (gnomAD); This variant is associated with the following publications: (PMID: 22542437, 20434380, 27477829)

North West Genomic Laboratory Hub, Manchester University NHS Foundation Trust
Classification: Pathogenic for Medium-chain acyl-coenzyme A dehydrogenase deficiency. Last evaluated: 2025-02-17. Review status: criteria provided, single submitter. Criteria: ACGS Best Practice Guidelines for Variant Classification in Rare Disease 2024. Collection method: clinical testing. Allele origin: germline. Affected: yes.
Comment: PM3_Str PP4_Str PM2_Mod PP3_Supp

Quest Diagnostics Nichols Institute San Juan Capistrano
Classification: Uncertain significance. Last evaluated: 2024-09-06. Review status: criteria provided, single submitter. Criteria: Quest Diagnostics criteria. Collection method: clinical testing. Allele origin: unknown.
Comment: The ACADM c.558T>A (p.Asn186Lys) variant has been briefly reported in the published literature in a newborn with an abnormal screening result and had an elevated hexanoylglycine (HG) level described as intermediate though octanoylcarnitine (C8) in plasma resembled a carrier status (PMID: 20434380 (2010)). Fibroblasts showed only a modest decrease in mitochondrial beta-oxidation and overexpression in E. coli showed residual enzyme activity, comparable to the p.Tyr67His deleterious variant (PMID: 22542437 (2012)). The frequency of this variant in the general population, 0.000008 (2/251418 chromosomes (Genome Aggregation Database)), is uninformative in the assessment of its pathogenicity. Analysis of this variant using bioinformatics tools for the prediction of the effect of amino acid changes on protein structure and function yielded predictions that this variant is damaging. Based on the available information, we are unable to determine the clinical significance of this variant.

Fulgent Genetics
Classification: Likely pathogenic for Medium-chain acyl-coenzyme A dehydrogenase deficiency. Last evaluated: 2024-06-16. Review status: criteria provided, single submitter. Criteria: ACMG Guidelines, 2015. Collection method: clinical testing. Allele origin: germline.

Baylor Genetics
Classification: Pathogenic for Medium-chain acyl-coenzyme A dehydrogenase deficiency. Last evaluated: 2024-01-05. Review status: criteria provided, single submitter. Criteria: ACMG Guidelines, 2015. Collection method: clinical testing. Allele origin: unknown.

Eurofins Ntd Llc (ga)
Classification: Uncertain significance. Last evaluated: 2015-04-20. Review status: criteria provided, single submitter. Criteria: EGL Classification Definitions 2015. Collection method: clinical testing. Allele origin: germline. Observed: 1 variant allele, 1 heterozygote.

ARUP Laboratories, Molecular Genetics and Genomics, ARUP Laboratories
Classification: Uncertain significance for Medium-chain acyl-coenzyme A dehydrogenase deficiency. Last evaluated: 2015-02-20. Review status: criteria provided, single submitter. Criteria: ACMG Guidelines, 2015. Collection method: clinical testing. Allele origin: germline. Inheritance: Autosomal recessive inheritance. Observed: 1 heterozygote.

Counsyl
Classification: Uncertain significance for Medium-chain acyl-coenzyme A dehydrogenase deficiency. Last evaluated: 2017-05-12. Review status: no assertion criteria provided. Collection method: clinical testing. Allele origin: unknown. Not counted in ClinVar's aggregate classification.

Literature cited by the submitters: PubMed 20434380 (cited by 5 submitters); PubMed 27477829 (cited by Victorian Clinical Genetics Services, Murdoch Childrens Research Institute); PubMed 22542437 (cited by 5 submitters).

NM_000016.6(ACADM):c.558T>A (p.Asn186Lys)

Gene: ACADM (acyl-CoA dehydrogenase medium chain; plus strand). Cytogenetic location: 1p31.1.
Variant type: single nucleotide variant.
Coding change: c.558T>A on transcript NM_000016.6 (MANE Select); coding-DNA position 558, T replaced by A.
Protein change: p.Asn186Lys; replaces asparagine 186 with lysine.
Molecular consequence: missense variant. On other transcripts: 5 prime UTR variant (1).
Genome position (GRCh38, 1-based): chr1:75,740,069, T>A. VCF-style: chr1-75740069-T-A. GRCh37 (hg19) VCF-style: chr1-76205754-T-A.
Other names: c.570T>A, p.Asn190Lys (NM_001127328.3); c.450T>A, p.Asn150Lys (NM_001286042.2); c.657T>A, p.Asn219Lys (NM_001286043.2); c.-10T>A (NM_001286044.2); short protein forms N190K, N186K, N150K, N219K.
Identifiers: ClinVar variation 198379 (VCV000198379.39), dbSNP rs754359356, ClinGen allele CA247000.